The following is an entry in ClinVar:

ClinVar aggregate classification (germline): Uncertain significance. Review status: criteria provided, multiple submitters, no conflicts (2 of 4 stars). 2 submissions from 2 submitters: Uncertain significance (2). Last evaluated 2022-08-12.

Conditions:
Cardiovascular phenotype. Identifiers: MedGen CN230736.
Dilated cardiomyopathy 1KK (CMD1KK). Identifiers: Orphanet 154, Orphanet 75249, MedGen C3714995, MONDO:0014100, OMIM 615248.

gnomAD v4.1: 1 of 1,614,154 alleles (0.000062%); highest among the groups gnomAD compares: South Asian, 0.0011%; no homozygotes.

Submissions (2):

Labcorp Genetics (formerly Invitae), Labcorp
Classification: Uncertain significance for Dilated cardiomyopathy 1KK. Last evaluated: 2022-08-12. Review status: criteria provided, single submitter. Criteria: Invitae Variant Classification Sherloc (09022015). Collection method: clinical testing. Allele origin: germline.
Comment: In summary, the available evidence is currently insufficient to determine the role of this variant in disease. Therefore, it has been classified as a Variant of Uncertain Significance. This sequence change replaces glutamine, which is neutral and polar, with glutamic acid, which is acidic and polar, at codon 572 of the MYPN protein (p.Gln572Glu). This variant is not present in population databases (gnomAD no frequency). This variant has not been reported in the literature in individuals affected with MYPN-related conditions. Algorithms developed to predict the effect of missense changes on protein structure and function (SIFT, PolyPhen-2, Align-GVGD) all suggest that this variant is likely to be tolerated.

Ambry Genetics
Classification: Uncertain significance for Cardiovascular phenotype. Last evaluated: 2020-07-30. Review status: criteria provided, single submitter. Criteria: Ambry Variant Classification Scheme 2023. Collection method: clinical testing. Allele origin: germline.
Comment: The p.Q572E variant (also known as c.1714C>G), located in coding exon 9 of the MYPN gene, results from a C to G substitution at nucleotide position 1714. The glutamine at codon 572 is replaced by glutamic acid, an amino acid with highly similar properties. This amino acid position is well conserved in available vertebrate species. In addition, this alteration is predicted to be tolerated by in silico analysis. Since supporting evidence is limited at this time, the clinical significance of this alteration remains unclear.

NM_032578.4(MYPN):c.1714C>G (p.Gln572Glu)

Gene: MYPN (myopalladin; plus strand). Cytogenetic location: 10q21.3.
Variant type: single nucleotide variant.
Coding change: c.1714C>G on transcript NM_032578.4 (MANE Select); coding-DNA position 1714, C replaced by G.
Protein change: p.Gln572Glu; replaces glutamine 572 with glutamic acid.
Molecular consequence: missense variant. On other transcripts: non-coding transcript variant (2).
Genome position (GRCh38, 1-based): chr10:68,166,407, C>G. VCF-style: chr10-68166407-C-G. GRCh37 (hg19) VCF-style: chr10-69926164-C-G.
Other names: c.1714C>G, p.Gln572Glu (NM_001256267.2); c.832C>G, p.Gln278Glu (NM_001256268.2); short protein forms Q572E, Q278E.
Identifiers: ClinVar variation 1778610 (VCV001778610.7), dbSNP rs2495735122, ClinGen allele CA376839872.